The following is an entry in ClinVar:

NM_000138.5(FBN1):c.281G>A (p.Cys94Tyr)

Gene: FBN1 (fibrillin 1; minus strand). Cytogenetic location: 15q21.1.
Variant type: single nucleotide variant.
Coding change: c.281G>A on transcript NM_000138.5 (MANE Select); coding-DNA position 281, G replaced by A.
Protein change: p.Cys94Tyr; replaces cysteine 94 with tyrosine.
Molecular consequence: missense variant.
Genome position (GRCh38, 1-based): chr15:48,610,793, C>T on the plus strand (G>A on the coding strand, the complement: FBN1 is on the minus strand). VCF-style: chr15-48610793-C-T. GRCh37 (hg19) VCF-style: chr15-48902990-C-T.
Other names: c.281G>A, p.Cys94Tyr (NM_001406716.1, NM_001406717.1); short protein forms C94Y.
Identifiers: ClinVar variation 2925585 (VCV002925585.5), dbSNP rs730880098, ClinGen allele CA392447037.

ClinVar aggregate classification (germline): Conflicting classifications of pathogenicity. Review status: criteria provided, conflicting classifications (1 of 4 stars). 3 submissions from 3 submitters: Pathogenic (1); Likely pathogenic (1); Uncertain significance (1). Last evaluated 2026-02-04.

Conditions:
Familial thoracic aortic aneurysm and aortic dissection (TAAD). Also called: Thoracic aortic aneurysms and dissections. Identifiers: Orphanet 91387, MedGen C4707243, MONDO:0019625.
Marfan syndrome (MFS). Also called: MARFAN SYNDROME, TYPE I; Marfan syndrome type 1; Marfan's syndrome; Marfan syndrome, classic; FBN1-Related Marfan Syndrome. Identifiers: Orphanet 284963, Orphanet 558, MedGen C0024796, MONDO:0007947, OMIM 154700.

Submissions (3):

Ambry Genetics
Classification: Likely pathogenic for Familial thoracic aortic aneurysm and aortic dissection. Last evaluated: 2026-02-04. Review status: criteria provided, single submitter. Criteria: Ambry Variant Classification Scheme 2023. Collection method: clinical testing. Allele origin: germline.
Comment: The p.C94Y variant (also known as c.281G>A), located in coding exon 3 of the FBN1 gene, results from a G to A substitution at nucleotide position 281. The cysteine at codon 94 is replaced by tyrosine, an amino acid with highly dissimilar properties. This variant was reported in individual(s) with features consistent with Marfan syndrome and related fibrillinopathies (Ambry internal data). The majority of FBN1 mutations identified to date have involved the substitution or generation of cysteine residues within cbEGF domains (Vollbrandt T et al. J Biol Chem. 2004;279(31):32924-32931). Internal structural analysis indicates this variant eliminates a disulfide bond critical for the structural integrity of the EGF1 domain (Ambry internal data). This amino acid position is highly conserved in available vertebrate species. In addition, this alteration is predicted to be deleterious by in silico analysis. This variant is considered to be rare based on population cohorts in the Genome Aggregation Database (gnomAD). Based on the majority of available evidence to date, this variant is likely to be pathogenic.

Labcorp Genetics (formerly Invitae), Labcorp
Classification: Pathogenic for Marfan syndrome; Familial thoracic aortic aneurysm and aortic dissection. Last evaluated: 2022-11-24. Review status: criteria provided, single submitter. Criteria: Invitae Variant Classification Sherloc (09022015). Collection method: clinical testing. Allele origin: germline.
Comment: This missense change has been observed in individuals with clinical features of Marfan syndrome (PMID: 27906200; Invitae). This sequence change replaces cysteine, which is neutral and slightly polar, with tyrosine, which is neutral and polar, at codon 94 of the FBN1 protein (p.Cys94Tyr). This variant is not present in population databases (gnomAD no frequency). Advanced modeling of protein sequence and biophysical properties (such as structural, functional, and spatial information, amino acid conservation, physicochemical variation, residue mobility, and thermodynamic stability) performed at Invitae indicates that this missense variant is expected to disrupt FBN1 protein function. This variant affects a cysteine residue in the EGF-like, TGFBP or hybrid motif domains of FBN1. Cysteine residues are believed to be involved in intramolecular disulfide bridges and have been shown to be important for FBN1 protein structure (PMID: 16905551, 19349279). In addition, missense substitutions affecting cysteine residues within these domains are significantly overrepresented among patients with Marfan syndrome (PMID: 16571647, 17701892). For these reasons, this variant has been classified as Pathogenic.

Juno Genomics, Hangzhou Juno Genomics, Inc
Classification: Uncertain significance for Marfan syndrome. Review status: criteria provided, single submitter. Criteria: ACMG Guidelines, 2015. Collection method: clinical testing. Allele origin: germline. Affected: yes.
Comment: Absent from controls (or at extremely low frequency if recessive) in Genome Aggregation Database, Exome Sequencing Project, 1000 Genomes Project, or Exome Aggregation Consortium.;Missense variant in a gene that has a low rate of benign missense variation and where missense variants are a common mechanism of disease.;Multiple lines of computational evidence support a deleterious effect on the gene or gene product (conservation, evolutionary, splicing impact, etc).;Located in a mutational hot spot and/or critical and well-established functional domain (e.g. active site of an enzyme) without benign variation.

Literature cited by the submitters: PubMed 27906200 (cited by Labcorp Genetics (formerly Invitae), Labcorp); PubMed 16905551 (cited by Labcorp Genetics (formerly Invitae), Labcorp); PubMed 19349279 (cited by Labcorp Genetics (formerly Invitae), Labcorp); PubMed 16571647 (cited by Labcorp Genetics (formerly Invitae), Labcorp); PubMed 17701892 (cited by Labcorp Genetics (formerly Invitae), Labcorp).